The following is an entry in ClinVar:

ClinVar aggregate classification (germline): Uncertain significance. Review status: criteria provided, multiple submitters, no conflicts (2 of 4 stars). 2 submissions from 2 submitters: Uncertain significance (2). Last evaluated 2024-10-24.

Conditions:
Inborn genetic diseases. Identifiers: MedGen C0950123, MeSH D030342.
T-cell immunodeficiency, congenital alopecia, and nail dystrophy. Also called: Congenital alopecia and nail dystrophy associated with severe functional T-cell immunodeficiency; Pignata Guarino syndrome. Identifiers: Orphanet 169095, MedGen C1866426, MONDO:0011132, OMIM 601705.

Allele frequency attached by ClinVar (database versions not stated): gnomAD 0.00001; gnomAD exomes 0.00001; TOPMed 0.00001.

Submissions (2):

Ambry Genetics
Classification: Uncertain significance for Inborn genetic diseases. Last evaluated: 2024-10-24. Review status: criteria provided, single submitter. Criteria: Ambry Variant Classification Scheme 2023. Collection method: clinical testing. Allele origin: germline.

Labcorp Genetics (formerly Invitae), Labcorp
Classification: Uncertain significance for T-cell immunodeficiency, congenital alopecia, and nail dystrophy. Last evaluated: 2017-12-26. Review status: criteria provided, single submitter. Criteria: Invitae Variant Classification Sherloc (09022015). Collection method: clinical testing. Allele origin: germline.
Comment: This sequence change replaces arginine with tryptophan at codon 482 of the FOXN1 protein (p.Arg482Trp). The arginine residue is weakly conserved and there is a moderate physicochemical difference between arginine and tryptophan. This variant is not present in population databases (ExAC no frequency). This variant has not been reported in the literature in individuals with FOXN1-related disease. Algorithms developed to predict the effect of missense changes on protein structure and function do not agree on the potential impact of this missense change (SIFT: "Tolerated"; PolyPhen-2: "Possibly Damaging"; Align-GVGD: "Class C0"). In summary, the available evidence is currently insufficient to determine the role of this variant in disease. Therefore, it has been classified as a Variant of Uncertain Significance.

NM_001369369.1(FOXN1):c.1444C>T (p.Arg482Trp)

Gene: FOXN1 (forkhead box N1; plus strand). Cytogenetic location: 17q11.2.
Variant type: single nucleotide variant.
Coding change: c.1444C>T on transcript NM_001369369.1 (MANE Select); coding-DNA position 1444, C replaced by T.
Protein change: p.Arg482Trp; replaces arginine 482 with tryptophan.
Molecular consequence: missense variant.
Genome position (GRCh38, 1-based): chr17:28,535,015, C>T. VCF-style: chr17-28535015-C-T. GRCh37 (hg19) VCF-style: chr17-26862033-C-T.
Other names: c.1444C>T, p.Arg482Trp (NM_003593.3); short protein forms R482W.
Identifiers: ClinVar variation 536429 (VCV000536429.2), dbSNP rs1278753857, ClinGen allele CA398326462.